The following is an entry in ClinVar:

ClinVar aggregate classification (germline): Uncertain significance (1 of 4 stars; one submission).

Conditions:
Parathyroid carcinoma (PRTC). Also called: CDC73-Related Parathyroid Carcinoma; Parathyroid gland carcinoma. Identifiers: Orphanet 143, MedGen C0687150, MONDO:0012004, OMIM 608266, HP:0006780.

Submission:

Labcorp Genetics (formerly Invitae), Labcorp
Classification: Uncertain significance for Parathyroid carcinoma. Last evaluated: 2025-03-03. Review status: criteria provided, single submitter. Criteria: Invitae Variant Classification Sherloc (09022015). Collection method: clinical testing. Allele origin: germline.
Comment: This sequence change replaces alanine, which is neutral and non-polar, with glycine, which is neutral and non-polar, at codon 78 of the CDC73 protein (p.Ala78Gly). This variant is not present in population databases (gnomAD no frequency). This variant has not been reported in the literature in individuals affected with CDC73-related conditions. ClinVar contains an entry for this variant (Variation ID: 1999617). Invitae Evidence Modeling of protein sequence and biophysical properties (such as structural, functional, and spatial information, amino acid conservation, physicochemical variation, residue mobility, and thermodynamic stability) indicates that this missense variant is expected to disrupt CDC73 protein function with a positive predictive value of 80%. In summary, the available evidence is currently insufficient to determine the role of this variant in disease. Therefore, it has been classified as a Variant of Uncertain Significance.

NM_024529.5(CDC73):c.233C>G (p.Ala78Gly)

Gene: CDC73 (cell division cycle 73; plus strand). Cytogenetic location: 1q31.2.
Variant type: single nucleotide variant.
Coding change: c.233C>G on transcript NM_024529.5 (MANE Select); coding-DNA position 233, C replaced by G.
Protein change: p.Ala78Gly; replaces alanine 78 with glycine.
Molecular consequence: missense variant.
Genome position (GRCh38, 1-based): chr1:193,125,213, C>G. VCF-style: chr1-193125213-C-G. GRCh37 (hg19) VCF-style: chr1-193094343-C-G.
Other names: short protein forms A78G.
Identifiers: ClinVar variation 1999617 (VCV001999617.4), dbSNP rs2527289633, ClinGen allele CA343973251.